The following is an entry in ClinVar:

ClinVar aggregate classification (germline): Likely benign. Review status: criteria provided, single submitter (1 of 4 stars). 2 submissions from 2 submitters: Likely benign (1). 1 of the submissions does not count toward it. Last evaluated 2025-10-13.

Conditions:
Dextro-looped transposition of the great arteries. Also called: Dextrotransposition of the great arteries. Identifiers: Orphanet 860, MedGen C3531771, MONDO:0019443, OMIM 608808, HP:0031348.
MED13L-related disorder. Also called: MED13L-related condition.

Allele frequency attached by ClinVar (database versions not stated): 1000 Genomes Project 30x 0.00047; ExAC 0.00010; 1000 Genomes Project 0.00060.
gnomAD v4.1: 50 of 1,614,066 alleles (0.0031%); highest among the groups gnomAD compares: East Asian, 0.096%; no homozygotes.

Submissions (2):

Labcorp Genetics (formerly Invitae), Labcorp
Classification: Likely benign for Dextro-looped transposition of the great arteries. Last evaluated: 2025-10-13. Review status: criteria provided, single submitter. Criteria: Invitae Variant Classification Sherloc (09022015). Collection method: clinical testing. Allele origin: germline.

PreventionGenetics, part of Exact Sciences
Classification: Likely benign for MED13L-related condition. Last evaluated: 2024-05-23. Review status: no assertion criteria provided. Collection method: clinical testing. Allele origin: germline. Not counted in ClinVar's aggregate classification.
Comment: This variant is classified as likely benign based on ACMG/AMP sequence variant interpretation guidelines (Richards et al. 2015 PMID: 25741868, with internal and published modifications).

NM_015335.5(MED13L):c.5482G>T (p.Val1828Leu)

Gene: MED13L (mediator complex subunit 13L; minus strand). Cytogenetic location: 12q24.21.
Variant type: single nucleotide variant.
Coding change: c.5482G>T on transcript NM_015335.5 (MANE Select); coding-DNA position 5482, G replaced by T.
Protein change: p.Val1828Leu; replaces valine 1828 with leucine.
Molecular consequence: missense variant.
Genome position (GRCh38, 1-based): chr12:115,975,621, C>A on the plus strand (G>T on the coding strand, the complement: MED13L is on the minus strand). VCF-style: chr12-115975621-C-A. GRCh37 (hg19) VCF-style: chr12-116413426-C-A.
Other names: c.5482G>T (NM_015335.4); short protein forms V1828L.
Identifiers: ClinVar variation 2726612 (VCV002726612.4), dbSNP rs202075689, ClinGen allele CA6810579.